The following is an entry in ClinVar:

NM_005751.5(AKAP9):c.7616A>G (p.Lys2539Arg)

Gene: AKAP9 (A-kinase anchoring protein 9; plus strand). Cytogenetic location: 7q21.2.
Variant type: single nucleotide variant.
Coding change: c.7616A>G on transcript NM_005751.5 (MANE Select); coding-DNA position 7616, A replaced by G.
Protein change: p.Lys2539Arg; replaces lysine 2539 with arginine.
Molecular consequence: missense variant.
Genome position (GRCh38, 1-based): chr7:92,079,749, A>G. VCF-style: chr7-92079749-A-G. GRCh37 (hg19) VCF-style: chr7-91709063-A-G.
Other names: c.2261A>G, p.Lys754Arg (NM_001379277.1); c.7592A>G, p.Lys2531Arg (NM_147185.3); short protein forms K2539R, K2531R, K754R.
Identifiers: ClinVar variation 2887585 (VCV002887585.4), dbSNP rs776353922, ClinGen allele CA4337315.

ClinVar aggregate classification (germline): Conflicting classifications of pathogenicity. Review status: criteria provided, conflicting classifications (1 of 4 stars). 2 submissions from 2 submitters: Uncertain significance (1); Likely benign (1). Last evaluated 2023-11-03.

Conditions:
Long QT syndrome (LQTS). Identifiers: MedGen C0023976, MeSH D008133, MONDO:0002442. Disease mechanism: loss of function. Inheritance: Various modes of inheritance.
Cardiovascular phenotype. Identifiers: MedGen CN230736.

Allele frequency attached by ClinVar (database versions not stated): ExAC 0.00001.
gnomAD v4.1: 1 of 1,614,152 alleles (0.000062%); highest among the groups gnomAD compares: Non-Finnish European, 0.000085%; no homozygotes.

Submissions (2):

Ambry Genetics
Classification: Likely benign for Cardiovascular phenotype. Last evaluated: 2023-11-03. Review status: criteria provided, single submitter. Criteria: Ambry Variant Classification Scheme 2023. Collection method: clinical testing. Allele origin: germline.

Labcorp Genetics (formerly Invitae), Labcorp
Classification: Uncertain significance for Long QT syndrome. Last evaluated: 2023-08-14. Review status: criteria provided, single submitter. Criteria: Invitae Variant Classification Sherloc (09022015). Collection method: clinical testing. Allele origin: germline.
Comment: This variant has not been reported in the literature in individuals affected with AKAP9-related conditions. This variant is present in population databases (rs776353922, gnomAD 0.0009%). This sequence change replaces lysine, which is basic and polar, with arginine, which is basic and polar, at codon 2539 of the AKAP9 protein (p.Lys2539Arg). An algorithm developed to predict the effect of missense changes on protein structure and function (PolyPhen-2) suggests that this variant is likely to be tolerated. In summary, the available evidence is currently insufficient to determine the role of this variant in disease. Therefore, it has been classified as a Variant of Uncertain Significance.